The following is an entry in ClinVar:

ClinVar aggregate classification (germline): Pathogenic (1 of 4 stars; one submission).

Conditions:
Developmental and epileptic encephalopathy, 2 (DEE2). Also called: INFANTILE SPASM SYNDROME, X-LINKED 2; CDKL5 deficiency disorder. Identifiers: Orphanet 1934, Orphanet 3451, Orphanet 505652, MedGen C4750718, MONDO:0010396, OMIM 300672.
Angelman syndrome-like. Identifiers: MedGen CN128785.

Submission:

Labcorp Genetics (formerly Invitae), Labcorp
Classification: Pathogenic for Developmental and epileptic encephalopathy, 2; Angelman syndrome-like. Last evaluated: 2023-02-18. Review status: criteria provided, single submitter. Criteria: Invitae Variant Classification Sherloc (09022015). Collection method: clinical testing. Allele origin: germline.
Comment: For these reasons, this variant has been classified as Pathogenic. This variant has not been reported in the literature in individuals affected with CDKL5-related conditions. This variant is not present in population databases (gnomAD no frequency). This sequence change creates a premature translational stop signal (p.Lys485Argfs*8) in the CDKL5 gene. It is expected to result in an absent or disrupted protein product. Loss-of-function variants in CDKL5 are known to be pathogenic (PMID: 22872100).

Literature cited by the submitters: PubMed 22872100.

NM_001323289.2(CDKL5):c.1452del (p.Lys485fs)

Gene: CDKL5 (cyclin dependent kinase like 5; plus strand). Cytogenetic location: Xp22.13.
Variant type: Deletion.
Coding change: c.1452del on transcript NM_001323289.2 (MANE Select); coding-DNA position 1452, one base deleted (C; older notation c.1452delC).
Protein change: p.Lys485fs; shifts the reading frame from lysine 485.
Molecular consequence: frameshift variant.
Genome position (GRCh38, 1-based): chrX:18,604,376, C deleted; the last of 2 consecutive C bases (chrX:18,604,375-18,604,376); deleting either gives the same sequence. VCF-style (leftmost placement, unchanged base first): chrX-18604374-AC-A. GRCh37 (hg19) VCF-style: chrX-18622494-AC-A.
Other names: c.1452del, p.Lys485fs (NM_001037343.2, NM_003159.3); short protein forms K485fs.
Identifiers: ClinVar variation 2944504 (VCV002944504.3), dbSNP rs2518874530, ClinGen allele CA2740092030.